The following is an entry in ClinVar:

NM_001171613.2(PREPL):c.301A>G (p.Ser101Gly)

Gene: PREPL (prolyl endopeptidase like; minus strand). Cytogenetic location: 2p21.
Variant type: single nucleotide variant.
Coding change: c.301A>G on transcript NM_001171613.2 (MANE Select); coding-DNA position 301, A replaced by G.
Protein change: p.Ser101Gly; replaces serine 101 with glycine.
Molecular consequence: missense variant.
Genome position (GRCh38, 1-based): chr2:44,343,793, T>C on the plus strand (A>G on the coding strand, the complement: PREPL is on the minus strand). VCF-style: chr2-44343793-T-C. GRCh37 (hg19) VCF-style: chr2-44570932-T-C.
Other names: c.568A>G, p.Ser190Gly (NM_001042385.2, NM_001042386.2, NM_001171603.1 and 4 more transcripts); c.301A>G, p.Ser101Gly (NM_001171617.1, NM_001374277.1); short protein forms S101G, S190G.
Identifiers: ClinVar variation 1036394 (VCV001036394.8), dbSNP rs779895293, ClinGen allele CA1641549.

ClinVar aggregate classification (germline): Uncertain significance (1 of 4 stars; one submission).

Conditions:
Myasthenic syndrome, congenital, 22 (CMS22). Also called: PREPL DEFICIENCY. Identifiers: MedGen C4479088, MONDO:0044299, OMIM 616224.

Allele frequency attached by ClinVar (database versions not stated): TOPMed below 0.00001; gnomAD exomes 0.00001; ExAC 0.00002.
gnomAD v4.1: 3 of 1,614,028 alleles (0.00019%); highest among the groups gnomAD compares: Non-Finnish European, 0.00025%; no homozygotes.

Submission:

Labcorp Genetics (formerly Invitae), Labcorp
Classification: Uncertain significance for Myasthenic syndrome, congenital, 22. Last evaluated: 2020-02-17. Review status: criteria provided, single submitter. Criteria: Invitae Variant Classification Sherloc (09022015). Collection method: clinical testing. Allele origin: germline.
Comment: This sequence change replaces serine with glycine at codon 190 of the PREPL protein (p.Ser190Gly). The serine residue is moderately conserved and there is a small physicochemical difference between serine and glycine. This variant is present in population databases (rs779895293, ExAC 0.003%). This variant has not been reported in the literature in individuals with PREPL-related conditions. Algorithms developed to predict the effect of missense changes on protein structure and function output the following: SIFT: "Tolerated"; PolyPhen-2: "Benign"; Align-GVGD: "Class C0". The glycine amino acid residue is found in multiple mammalian species, suggesting that this missense change does not adversely affect protein function. These predictions have not been confirmed by published functional studies and their clinical significance is uncertain. In summary, the available evidence is currently insufficient to determine the role of this variant in disease. Therefore, it has been classified as a Variant of Uncertain Significance.